The following is an entry in ClinVar:

NM_001364905.1(LRBA):c.2844G>C (p.Gly948=)

Gene: LRBA (LPS responsive beige-like anchor protein; minus strand). Cytogenetic location: 4q31.3.
Variant type: single nucleotide variant.
Coding change: c.2844G>C on transcript NM_001364905.1 (MANE Select); coding-DNA position 2844, G replaced by C.
Protein change: p.Gly948=; no amino-acid change (glycine 948 retained).
Molecular consequence: synonymous variant.
Genome position (GRCh38, 1-based): chr4:150,852,866, C>G on the plus strand (G>C on the coding strand, the complement: LRBA is on the minus strand). VCF-style: chr4-150852866-C-G. GRCh37 (hg19) VCF-style: chr4-151774018-C-G.
Other names: c.2844G>C, p.Gly948= (NM_001199282.3, NM_001367550.1, NM_006726.5).
Identifiers: ClinVar variation 743332 (VCV000743332.10), dbSNP rs147858409, ClinGen allele CA3103129.
Genomic context (GRCh38, chr4:150,852,866, plus strand): 5'-TGAAACATTAATATCCCTTCTAATGCCAGAGGCTGCTTGAACTGAAGTTGAAGAACACAG[C>G]CCTATTTCTTCATCAACTTTTCCTTGCTGTTCCCTAAATATATTGGCAAGGTTTTCTTTG-3'
Protein context (NP_001351834.1, residues 938-958): EQQGKVDEEI[Gly948=]LCSSTSVQAA

ClinVar aggregate classification (germline): Likely benign. Review status: criteria provided, single submitter (1 of 4 stars). 2 submissions from 2 submitters: Likely benign (1). 1 of the submissions does not count toward it. Last evaluated 2025-08-04.

Conditions:
LRBA-related disorder. Also called: LRBA-related condition.
Combined immunodeficiency due to LRBA deficiency. Also called: Common variable immunodeficiency 8, with autoimmunity. Identifiers: Orphanet 445018, MedGen C3553512, MONDO:0013863, OMIM 614700.

Allele frequency attached by ClinVar (database versions not stated): gnomAD 0.00011 and 0.00012; ESP Exome Variant Server 0.00015; gnomAD exomes 0.00001 and 0.00003; ExAC 0.00002; TOPMed 0.00009.
gnomAD v4.1: 33 of 1,610,678 alleles (0.002%); highest among the groups gnomAD compares: African/African-American, 0.043%; no homozygotes.

Submissions (2):

Labcorp Genetics (formerly Invitae), Labcorp
Classification: Likely benign for Combined immunodeficiency due to LRBA deficiency. Last evaluated: 2025-08-04. Review status: criteria provided, single submitter. Criteria: Invitae Variant Classification Sherloc (09022015). Collection method: clinical testing. Allele origin: germline.

PreventionGenetics, part of Exact Sciences
Classification: Likely benign for LRBA-related condition. Last evaluated: 2019-06-11. Review status: no assertion criteria provided. Collection method: clinical testing. Allele origin: germline. Not counted in ClinVar's aggregate classification.
Comment: This variant is classified as likely benign based on ACMG/AMP sequence variant interpretation guidelines (Richards et al. 2015 PMID: 25741868, with internal and published modifications).